The following is an entry in ClinVar:

ClinVar aggregate classification (germline): Conflicting classifications of pathogenicity. Review status: criteria provided, conflicting classifications (1 of 4 stars). 4 submissions from 4 submitters: Uncertain significance (1); Likely benign (2). 1 of the submissions does not count toward it. Last evaluated 2025-12-14.

Conditions:
MLC1-related disorder. Also called: MLC1-related condition.

Allele frequency attached by ClinVar (database versions not stated): gnomAD exomes 0.00002 and 0.00004; ExAC 0.00007; gnomAD 0.00009; TOPMed 0.00009; ESP Exome Variant Server 0.00015; 1000 Genomes Project 30x 0.00031; 1000 Genomes Project 0.00040.
gnomAD v4.1: 42 of 1,614,018 alleles (0.0026%); highest among the groups gnomAD compares: African/African-American, 0.025%; no homozygotes.

Submissions (4):

Labcorp Genetics (formerly Invitae), Labcorp
Classification: Likely benign. Last evaluated: 2025-12-14. Review status: criteria provided, single submitter. Criteria: Invitae Variant Classification Sherloc (09022015). Collection method: clinical testing. Allele origin: germline.

Blueprint Genetics
Classification: Likely benign. Last evaluated: 2020-06-12. Review status: criteria provided, single submitter. Criteria: ACMG Guidelines, 2015. Collection method: clinical testing. Allele origin: germline.

Eurofins Ntd Llc (ga)
Classification: Uncertain significance. Last evaluated: 2016-08-01. Review status: criteria provided, single submitter. Criteria: EGL Classification Definitions 2015. Collection method: clinical testing. Allele origin: germline. Observed: 1 variant allele, 1 heterozygote.

PreventionGenetics, part of Exact Sciences
Classification: Likely benign for MLC1-related condition. Last evaluated: 2019-03-20. Review status: no assertion criteria provided. Collection method: clinical testing. Allele origin: germline. Not counted in ClinVar's aggregate classification.
Comment: This variant is classified as likely benign based on ACMG/AMP sequence variant interpretation guidelines (Richards et al. 2015 PMID: 25741868, with internal and published modifications).

NM_015166.4(MLC1):c.93C>T (p.Asp31=)

Gene: MLC1 (modulator of VRAC current 1; minus strand). Cytogenetic location: 22q13.33.
Variant type: single nucleotide variant.
Coding change: c.93C>T on transcript NM_015166.4 (MANE Select); coding-DNA position 93, C replaced by T.
Protein change: p.Asp31=; no amino-acid change (aspartic acid 31 retained).
Molecular consequence: synonymous variant. On other transcripts: non-coding transcript variant (3), intron variant (1).
Genome position (GRCh38, 1-based): chr22:50,084,810, G>A on the plus strand (C>T on the coding strand, the complement: MLC1 is on the minus strand). VCF-style: chr22-50084810-G-A. GRCh37 (hg19) VCF-style: chr22-50523239-G-A.
Other names: c.93C>T (NM_015166.3); c.93C>T, p.Asp31= (NM_001376472.1, NM_001376473.1, NM_001376474.1 and 10 more transcripts); c.-59+545C>T (NM_001376484.1).
Identifiers: ClinVar variation 289952 (VCV000289952.16), dbSNP rs199625892, ClinGen allele CA10303685.